The following is an entry in ClinVar:

ClinVar aggregate classification (germline): Likely benign (1 of 4 stars; one submission).

Submission:

CeGaT Center for Human Genetics Tuebingen
Classification: Likely benign. Last evaluated: 2026-03-01. Review status: criteria provided, single submitter. Criteria: CeGaT Center For Human Genetics Tuebingen Variant Classification Criteria Version 2. Collection method: clinical testing. Allele origin: germline. Affected: yes. Observed: 1 variant allele.
Comment: NPAP1: BP4, BP7

NM_018958.3(NPAP1):c.2961G>C (p.Gly987=)

Gene: NPAP1 (nuclear pore associated protein 1; plus strand). Cytogenetic location: 15q11.2.
Variant type: single nucleotide variant.
Coding change: c.2961G>C on transcript NM_018958.3 (MANE Select); coding-DNA position 2961, G replaced by C.
Protein change: p.Gly987=; no amino-acid change (glycine 987 retained).
Molecular consequence: synonymous variant.
Genome position (GRCh38, 1-based): chr15:24,678,828, G>C. VCF-style: chr15-24678828-G-C. GRCh37 (hg19) VCF-style: chr15-24923975-G-C.
Identifiers: ClinVar variation 4823661 (VCV004823661.4).